The following is an entry in ClinVar:

ClinVar aggregate classification (germline): Uncertain significance (0 of 4 stars; one submission).

Conditions:
Breast ductal adenocarcinoma. Also called: Ductal breast carcinoma; Breast cancer, invasive ductal. Identifiers: MedGen C1527349, MONDO:0005590.

Submission:

Next Generation Diagnostics, Novartis Institutes for BioMedical Research, Inc.
Classification: Uncertain significance for Breast ductal adenocarcinoma. Last evaluated: 2015-07-20. Review status: no assertion criteria provided. Collection method: research. Allele origin: somatic. Affected: yes.
Comment: Loss of heterozygosity

Single allele

Genes: CDH7 (cadherin 7; plus strand), HMSD (histocompatibility minor serpin domain containing; plus strand), SERPINB10 (serpin family B member 10; plus strand), SERPINB11 (serpin family B member 11; plus strand), SERPINB2 (serpin family B member 2; plus strand) and 2 more. Cytogenetic location: 18q21.33-22.1.
Variant type: Complex.
Identifiers: ClinVar variation 221348 (VCV000221348.2).